The following is an entry in ClinVar:

ClinVar aggregate classification (germline): Uncertain significance. Review status: criteria provided, multiple submitters, no conflicts (2 of 4 stars). 2 submissions from 2 submitters: Uncertain significance (2). Last evaluated 2025-01-02.

Conditions:
Hereditary nonpolyposis colorectal neoplasms. Identifiers: MedGen C0009405, MeSH D003123.
Hereditary cancer-predisposing syndrome. Also called: Neoplastic Syndromes, Hereditary; Tumor predisposition; Hereditary Cancer Syndrome; Hereditary neoplastic syndrome. Identifiers: Orphanet 140162, MedGen C0027672, MeSH D009386, MONDO:0015356.

Submissions (2):

Ambry Genetics
Classification: Uncertain significance for Hereditary cancer-predisposing syndrome. Last evaluated: 2025-01-02. Review status: criteria provided, single submitter. Criteria: Ambry Variant Classification Scheme 2023. Collection method: clinical testing. Allele origin: germline.
Comment: The p.A481V variant (also known as c.1442C>T), located in coding exon 4 of the MSH6 gene, results from a C to T substitution at nucleotide position 1442. The alanine at codon 481 is replaced by valine, an amino acid with similar properties. This amino acid position is highly conserved in available vertebrate species. In addition, the in silico prediction for this alteration is inconclusive. Based on the available evidence, the clinical significance of this variant remains unclear.

Labcorp Genetics (formerly Invitae), Labcorp
Classification: Uncertain significance for Hereditary nonpolyposis colorectal neoplasms. Last evaluated: 2024-10-31. Review status: criteria provided, single submitter. Criteria: Invitae Variant Classification Sherloc (09022015). Collection method: clinical testing. Allele origin: germline.
Comment: This sequence change replaces alanine, which is neutral and non-polar, with valine, which is neutral and non-polar, at codon 481 of the MSH6 protein (p.Ala481Val). This variant is not present in population databases (gnomAD no frequency). This variant has not been reported in the literature in individuals affected with MSH6-related conditions. Invitae Evidence Modeling of protein sequence and biophysical properties (such as structural, functional, and spatial information, amino acid conservation, physicochemical variation, residue mobility, and thermodynamic stability) indicates that this missense variant is not expected to disrupt MSH6 protein function with a negative predictive value of 95%. In summary, the available evidence is currently insufficient to determine the role of this variant in disease. Therefore, it has been classified as a Variant of Uncertain Significance.

NM_000179.3(MSH6):c.1442C>T (p.Ala481Val)

Gene: MSH6 (mutS homolog 6; plus strand). Cytogenetic location: 2p16.3.
Variant type: single nucleotide variant.
Coding change: c.1442C>T on transcript NM_000179.3 (MANE Select); coding-DNA position 1442, C replaced by T.
Protein change: p.Ala481Val; replaces alanine 481 with valine.
Molecular consequence: missense variant. On other transcripts: non-coding transcript variant (4), intron variant (1).
Genome position (GRCh38, 1-based): chr2:47,799,425, C>T. VCF-style: chr2-47799425-C-T. GRCh37 (hg19) VCF-style: chr2-48026564-C-T.
Other names: c.1274C>T, p.Ala425Val (NM_001406826.1); c.1145C>T, p.Ala382Val (NM_001406827.1, NM_001406828.1, NM_001406830.1 and 10 more transcripts); c.536C>T, p.Ala179Val (NM_001406829.1, NM_001281493.2, NM_001281494.2 and 6 more transcripts); c.628-1241C>T (NM_001407362.1); c.1052C>T, p.Ala351Val (NM_001281492.2); c.1538C>T, p.Ala513Val (NM_001406795.1, NM_001406802.1); c.1442C>T, p.Ala481Val (NM_001406796.1, NM_001406798.1, NM_001406800.1 and 4 more transcripts); c.917C>T, p.Ala306Val (NM_001406799.1, NM_001406806.1, NM_001406807.1); and 2 more; short protein forms A179V, A382V, A483V, A513V, A306V, A351V, A481V, A425V.
Identifiers: ClinVar variation 3633134 (VCV003633134.3).